The following is an entry in ClinVar:

NM_032043.3(BRIP1):c.2885T>C (p.Ile962Thr)

Gene: BRIP1 (BRCA1 interacting DNA helicase 1; minus strand). Cytogenetic location: 17q23.2.
Variant type: single nucleotide variant.
Coding change: c.2885T>C on transcript NM_032043.3 (MANE Select); coding-DNA position 2885, T replaced by C.
Protein change: p.Ile962Thr; replaces isoleucine 962 with threonine.
Molecular consequence: missense variant.
Genome position (GRCh38, 1-based): chr17:61,685,856, A>G on the plus strand (T>C on the coding strand, the complement: BRIP1 is on the minus strand). VCF-style: chr17-61685856-A-G. GRCh37 (hg19) VCF-style: chr17-59763217-A-G.
Other names: short protein forms I962T.
Identifiers: ClinVar variation 184706 (VCV000184706.29), dbSNP rs786201632, ClinGen allele CA189776.

ClinVar aggregate classification (germline): Conflicting classifications of pathogenicity. Review status: criteria provided, conflicting classifications (1 of 4 stars). 8 submissions from 8 submitters: Uncertain significance (4); Likely benign (3). 1 of the submissions does not count toward it. Last evaluated 2025-10-13.

Conditions:
Ovarian cancer. Also called: OVARIAN CANCER, SOMATIC. Identifiers: Orphanet 213500, MedGen C1140680, MONDO:0008170, OMIM 167000.
Fanconi anemia complementation group J. Also called: BRIP1-Related Fanconi Anemia. Identifiers: Orphanet 84, MedGen C1836860, MONDO:0012187, OMIM 609054.
BRIP1-related disorder. Also called: BRIP1-related condition; BRIP1-related disorders. Identifiers: MedGen CN239206.
Familial cancer of breast. Also called: Hereditary breast cancer; BREAST CANCER, FAMILIAL; hereditary breast carcinoma. Identifiers: Orphanet 227535, MedGen C0346153, MONDO:0016419, OMIM 114480. Disease mechanism: loss of function.
Hereditary cancer-predisposing syndrome. Also called: Neoplastic Syndromes, Hereditary; Tumor predisposition; Hereditary neoplastic syndrome; Hereditary Cancer Syndrome. Identifiers: Orphanet 140162, MedGen C0027672, MeSH D009386, MONDO:0015356.

Allele frequency attached by ClinVar (database versions not stated): gnomAD exomes below 0.00001 and 0.00001; TOPMed below 0.00001; gnomAD 0.00001.
gnomAD v4.1: 4 of 1,612,364 alleles (0.00025%); highest among the groups gnomAD compares: Non-Finnish European, 0.00034%; no homozygotes.

Submissions (8):

Labcorp Genetics (formerly Invitae), Labcorp
Classification: Likely benign for Familial cancer of breast; Fanconi anemia complementation group J. Last evaluated: 2025-10-13. Review status: criteria provided, single submitter. Criteria: Invitae Variant Classification Sherloc (09022015). Collection method: clinical testing. Allele origin: germline.

Color Diagnostics, LLC DBA Color Health
Classification: Likely benign for Hereditary cancer-predisposing syndrome. Last evaluated: 2025-09-03. Review status: criteria provided, single submitter. Criteria: ACMG Guidelines, 2015. Collection method: clinical testing. Allele origin: germline.

PreventionGenetics, part of Exact Sciences
Classification: Uncertain significance for BRIP1-related condition. Last evaluated: 2025-03-31. Review status: criteria provided, single submitter. Criteria: ACMG Guidelines, 2015. Collection method: clinical testing. Allele origin: germline.
Comment: The BRIP1 c.2885T>C variant is predicted to result in the amino acid substitution p.Ile962Thr. This variant has been reported in at least one individual with early-onset breast cancer (Table S1, Moyer et al. 2019. PubMed ID: 31822495). This variant is reported in 0.0016% of alleles in individuals of European (non-Finnish) descent in gnomAD. This variant is interpreted as a variant of uncertain significance by a majority of the submitters in ClinVar. At this time, the clinical significance of this variant is uncertain due to the absence of conclusive functional and genetic evidence.

GeneDx
Classification: Uncertain significance. Last evaluated: 2024-09-04. Review status: criteria provided, single submitter. Criteria: GeneDx Variant Classification Process June 2021. Collection method: clinical testing. Allele origin: germline. Affected: yes.
Comment: Not observed at significant frequency in large population cohorts (gnomAD); In silico analysis indicates that this missense variant does not alter protein structure/function; Observed in a patient with early-onset breast cancer (PMID: 31822495); This variant is associated with the following publications: (PMID: 11301010, 31822495)

Ambry Genetics
Classification: Likely benign for Hereditary cancer-predisposing syndrome. Last evaluated: 2024-04-26. Review status: criteria provided, single submitter. Criteria: Ambry Variant Classification Scheme 2023. Collection method: clinical testing. Allele origin: germline.

Myriad Genetics, Inc.
Classification: Uncertain significance for Familial cancer of breast. Last evaluated: 2023-02-28. Review status: criteria provided, single submitter. Criteria: Myriad Autosomal Dominant, Autosomal Recessive and X-Linked Classification Criteria (2023). Collection method: clinical testing. Allele origin: unknown.
Comment: This variant is classified as a variant of uncertain significance as there is insufficient evidence to determine its impact on protein function and/or cancer risk.

Women's Health and Genetics/Laboratory Corporation of America, LabCorp
Classification: Uncertain significance. Last evaluated: 2022-11-25. Review status: criteria provided, single submitter. Criteria: LabCorp Variant Classification Summary - May 2015. Collection method: clinical testing. Allele origin: germline.
Comment: Variant summary: BRIP1 c.2885T>C (p.Ile962Thr) results in a non-conservative amino acid change in the encoded protein sequence. Four of five in-silico tools predict a benign effect of the variant on protein function. The variant allele was found at a frequency of 4e-06 in 250396 control chromosomes. The available data on variant occurrences in the general population are insufficient to allow any conclusion about variant significance. c.2885T>C has been reported in the literature citing the ClinVar database classification as a VUS (as of May-2019) among a discovery cohort of individuals affected with early onset breast cancer (example, Moyer_2020). These report(s) do not provide unequivocal conclusions about association of the variant with Hereditary Breast And Ovarian Cancer Syndrome. To our knowledge, no experimental evidence demonstrating an impact on protein function has been reported. Four clinical diagnostic laboratories have submitted clinical-significance assessments for this variant to ClinVar after 2014 without evidence for independent evaluation (likely benign, n=1; VUS, n=3). Based on the evidence outlined above, the variant was classified as uncertain significance.

Counsyl
Classification: Uncertain significance for Fanconi anemia complementation group J; Ovarian cancer. Last evaluated: 2017-07-14. Review status: no assertion criteria provided. Collection method: clinical testing. Allele origin: unknown. Not counted in ClinVar's aggregate classification.

Literature cited by the submitters: PubMed 31822495 (cited by Ambry Genetics and Women's Health and Genetics/Laboratory Corporation of America, LabCorp).